The following is an entry in ClinVar:

ClinVar aggregate classification (germline): Likely pathogenic. Review status: criteria provided, multiple submitters, no conflicts (2 of 4 stars). 6 submissions from 6 submitters: Likely pathogenic (6). Last evaluated 2025-11-13.

Conditions:
Joubert syndrome 5 (JBTS5). Identifiers: Orphanet 2318, MedGen C1857780, MONDO:0012432, OMIM 610188.
Bardet-Biedl syndrome 14 (BBS14). Identifiers: Orphanet 110, MedGen C2673874, MONDO:0014442, OMIM 615991.
Meckel syndrome, type 4 (MKS4). Also called: MECKEL-GRUBER SYNDROME, TYPE 4. Identifiers: Orphanet 564, MedGen C1970161, MONDO:0012626, OMIM 611134.
Senior-Loken syndrome 6 (SLSN6). Identifiers: Orphanet 3156, MedGen C1857779, MONDO:0012433, OMIM 610189.
Leber congenital amaurosis 10 (LCA10). Identifiers: Orphanet 65, MedGen C1857821, MONDO:0012723, OMIM 611755.
CEP290-related ciliopathy. Also called: CEP290 ciliopathy. Identifiers: MedGen CN305601, MONDO:0100451.
CEP290-related disorder. Also called: CEP290-related disorders; CEP290-related condition. Identifiers: MedGen CN239314.
Nephronophthisis. Also called: Juvenile Nephronophthisis. Identifiers: Orphanet 655, MedGen C0687120, MONDO:0019005, HP:0000090.
Joubert syndrome. Also called: Familial aplasia of the vermis; JOUBERT-BOLTSHAUSER SYNDROME. Identifiers: Orphanet 475, MedGen C5979921, MONDO:0018772.
Meckel-Gruber syndrome. Also called: Dysencephalia splachnocystica; DYSENCEPHALIA SPLANCHNOCYSTICA; GRUBER SYNDROME. Identifiers: Orphanet 564, MedGen C0265215, MONDO:0018921.
Leber congenital amaurosis (LCA). Also called: Leber's amaurosis. Identifiers: Orphanet 65, MedGen C0339527, MeSH D057130, MONDO:0018998.

Allele frequency attached by ClinVar (database versions not stated): TOPMed 0.00001.

Submissions (6):

Myriad Genetics, Inc.
Classification: Likely pathogenic for CEP290-related ciliopathy. Last evaluated: 2025-11-13. Review status: criteria provided, single submitter. Criteria: Myriad Autosomal Dominant, Autosomal Recessive and X-Linked Classification Criteria (2023). Collection method: clinical testing. Allele origin: unknown.
Comment: NM_025114.3(CEP290):c.1359+1G>A is a variant in a canonical splice site classified as likely pathogenic in the context of CEP290-related disorders. c.1359+1G>A has been observed in a case with relevant disease (PMID: 38259611). Relevant functional assessments of this variant are not available in the literature. c.1359+1G>A has not been observed in referenced population frequency databases. In summary, NM_025114.3(CEP290):c.1359+1G>A is a variant in a canonical splice site in a gene where loss of function is a known mechanism of disease, is predicted to disrupt protein function, and has been observed more frequently in cases with the relevant disease than in healthy populations. Please note: this variant was assessed in the context of healthy population screening.

PreventionGenetics, part of Exact Sciences
Classification: Likely pathogenic for CEP290-related condition. Last evaluated: 2025-07-10. Review status: criteria provided, single submitter. Criteria: ACMG Guidelines, 2015. Collection method: clinical testing. Allele origin: germline.
Comment: The CEP290 c.1359+1G>A variant is predicted to disrupt the GT donor site and interfere with normal splicing. This variant was reported in the compound heterozygous state in a fetus with abnormal renal echogenicity and cerebellum (Table S1/S2, Marouane et al. 2023. PubMed ID: 38259611). This variant has not been reported in a large population database (gnomAD), indicating this variant is rare. Variants that disrupt the consensus splice donor site in CEP290 are expected to be pathogenic. This variant is interpreted as likely pathogenic.

Natera, Inc.
Classification: Likely pathogenic for Leber congenital amaurosis. Last evaluated: 2024-10-14. Review status: criteria provided, single submitter. Criteria: Natera Variant Classification Schema (03/2026). Collection method: clinical testing. Allele origin: germline.
Comment: The c.1359+1G>A variant in CEP290 is a canonical splice donor site variant predicted to affect pre-mRNA splicing, which may result in an abnormal transcript and altered protein product. This variant is expected to result in nonsense mediated decay, truncation, or a dysfunctional protein product. This variant is rare in the general population with a frequency below the threshold expected for the associated phenotype(s). Given the available evidence, this variant is classified as Likely Pathogenic.

Fulgent Genetics
Classification: Likely pathogenic for Joubert syndrome 5; Senior-Loken syndrome 6; Meckel syndrome, type 4; Leber congenital amaurosis 10; Bardet-Biedl syndrome 14. Last evaluated: 2024-05-24. Review status: criteria provided, single submitter. Criteria: ACMG Guidelines, 2015. Collection method: clinical testing. Allele origin: germline.

Baylor Genetics
Classification: Likely pathogenic for Bardet-Biedl syndrome 14. Last evaluated: 2023-05-05. Review status: criteria provided, single submitter. Criteria: ACMG Guidelines, 2015. Collection method: clinical testing. Allele origin: unknown.

Labcorp Genetics (formerly Invitae), Labcorp
Classification: Likely pathogenic for Joubert syndrome; Meckel-Gruber syndrome; Nephronophthisis. Last evaluated: 2022-05-03. Review status: criteria provided, single submitter. Criteria: Invitae Variant Classification Sherloc (09022015). Collection method: clinical testing. Allele origin: germline.
Comment: This sequence change affects a donor splice site in intron 14 of the CEP290 gene. It is expected to disrupt RNA splicing. Variants that disrupt the donor or acceptor splice site typically lead to a loss of protein function (PMID: 16199547), and loss-of-function variants in CEP290 are known to be pathogenic (PMID: 16909394, 17345604, 20690115). This variant is not present in population databases (gnomAD no frequency). Disruption of this splice site has been observed in individual(s) with Leber congenital amaurosis (Invitae). Algorithms developed to predict the effect of sequence changes on RNA splicing suggest that this variant may disrupt the consensus splice site. In summary, the currently available evidence indicates that the variant is pathogenic, but additional data are needed to prove that conclusively. Therefore, this variant has been classified as Likely Pathogenic.

Literature cited by the submitters: PubMed 38259611 (cited by Myriad Genetics, Inc.); PubMed 16199547 (cited by Labcorp Genetics (formerly Invitae), Labcorp); PubMed 16909394 (cited by Labcorp Genetics (formerly Invitae), Labcorp); PubMed 17345604 (cited by Labcorp Genetics (formerly Invitae), Labcorp); PubMed 20690115 (cited by Labcorp Genetics (formerly Invitae), Labcorp).

NM_025114.4(CEP290):c.1359+1G>A

Gene: CEP290 (centrosomal protein 290; minus strand). Cytogenetic location: 12q21.32.
Variant type: single nucleotide variant.
Coding change: c.1359+1G>A on transcript NM_025114.4 (MANE Select); the canonical splice donor site of the intron after coding-DNA position 1359, G replaced by A.
Molecular consequence: splice donor variant.
Genome position (GRCh38, 1-based): chr12:88,120,996, C>T on the plus strand (G>A on the coding strand, the complement: CEP290 is on the minus strand). VCF-style: chr12-88120996-C-T. GRCh37 (hg19) VCF-style: chr12-88514773-C-T.
Other names: c.1359+1G>A (NM_025114.3).
Identifiers: ClinVar variation 1501489 (VCV001501489.11), dbSNP rs935130451, ClinGen allele CA241152412.